The following is an entry in ClinVar:

NM_002397.5(MEF2C):c.860C>A (p.Ser287Ter)

Gene: MEF2C (myocyte enhancer factor 2C; minus strand). Cytogenetic location: 5q14.3.
Variant type: single nucleotide variant.
Coding change: c.860C>A on transcript NM_002397.5 (MANE Select); coding-DNA position 860, C replaced by A.
Protein change: p.Ser287Ter; replaces serine 287 with a stop codon.
Molecular consequence: nonsense.
Genome position (GRCh38, 1-based): chr5:88,729,322, G>T on the plus strand (C>A on the coding strand, the complement: MEF2C is on the minus strand). VCF-style: chr5-88729322-G-T. GRCh37 (hg19) VCF-style: chr5-88025139-G-T.
Other names: c.830C>A, p.Ser277Ter (NM_001131005.2, NM_001364343.2, NM_001364352.2); c.890C>A, p.Ser297Ter (NM_001193347.1, NM_001364338.2); c.692C>A, p.Ser231Ter (NM_001193348.1); c.716C>A, p.Ser239Ter (NM_001193349.3, NM_001364332.2, NM_001364344.2 and 2 more transcripts); c.860C>A, p.Ser287Ter (NM_001193350.2, NM_001363581.2, NM_001364329.2 and 9 more transcripts); c.836C>A, p.Ser279Ter (NM_001308002.3, NM_001364333.2, NM_001364339.2 and 6 more transcripts); c.482C>A, p.Ser161Ter (NM_001364353.2, NM_001364356.2); c.410C>A, p.Ser137Ter (NM_001364357.2); short protein forms S277*, S287*, S161*, S137*, S279*, S297*, S231*, S239*.
Identifiers: ClinVar variation 421177 (VCV000421177.3), dbSNP rs777826971, ClinGen allele CA16618220.

ClinVar aggregate classification (germline): Pathogenic (1 of 4 stars; one submission).

gnomAD v4.1: 1 of 1,611,692 alleles (0.000062%); highest among the groups gnomAD compares: South Asian, 0.0011%; no homozygotes.

Submission:

GeneDx
Classification: Pathogenic. Last evaluated: 2019-04-04. Review status: criteria provided, single submitter. Criteria: GeneDx Variant Classification Process June 2021. Collection method: clinical testing. Allele origin: germline. Affected: yes.
Comment: Nonsense variant predicted to result in protein truncation or nonsense mediated decay in a gene for which loss-of-function is a known mechanism of disease; Not observed in large population cohorts (Lek et al., 2016); Has not been previously published as pathogenic or benign to our knowledge; This variant is associated with the following publications: (PMID: 30919572)